The following is an entry in ClinVar:

ClinVar aggregate classification (germline): Uncertain significance. Review status: criteria provided, multiple submitters, no conflicts (2 of 4 stars). 2 submissions from 2 submitters: Uncertain significance (2). Last evaluated 2023-09-07.

Conditions:
Cardiovascular phenotype. Identifiers: MedGen CN230736.

Allele frequency attached by ClinVar (database versions not stated): gnomAD exomes below 0.00001; TOPMed 0.00002.
gnomAD v4.1: 5 of 1,548,080 alleles (0.00032%); highest among the groups gnomAD compares: Admixed American, 0.0039%; no homozygotes.

Submissions (2):

Ambry Genetics
Classification: Uncertain significance for Cardiovascular phenotype. Last evaluated: 2023-09-07. Review status: criteria provided, single submitter. Criteria: Ambry Variant Classification Scheme 2023. Collection method: clinical testing. Allele origin: germline.
Comment: The p.R3575W variant (also known as c.10723C>T), located in coding exon 2 of the ZNF469 gene, results from a C to T substitution at nucleotide position 10723. The arginine at codon 3575 is replaced by tryptophan, an amino acid with dissimilar properties. This amino acid position is conserved. In addition, this alteration is predicted to be tolerated by in silico analysis. Since supporting evidence is limited at this time, the clinical significance of this alteration remains unclear.

Blueprint Genetics
Classification: Uncertain significance. Last evaluated: 2021-10-14. Review status: criteria provided, single submitter. Criteria: ACMG Guidelines, 2015. Collection method: clinical testing. Allele origin: germline.

NM_001367624.2(ZNF469):c.10807C>T (p.Arg3603Trp)

Gene: ZNF469 (zinc finger protein 469; plus strand). Cytogenetic location: 16q24.2.
Variant type: single nucleotide variant.
Coding change: c.10807C>T on transcript NM_001367624.2 (MANE Select); coding-DNA position 10807, C replaced by T.
Protein change: p.Arg3603Trp; replaces arginine 3603 with tryptophan.
Molecular consequence: missense variant.
Genome position (GRCh38, 1-based): chr16:88,438,277, C>T. VCF-style: chr16-88438277-C-T. GRCh37 (hg19) VCF-style: chr16-88504685-C-T.
Other names: NM_001127464.1:c.10723C>T; short protein forms R3603W.
Identifiers: ClinVar variation 2626145 (VCV002626145.3), dbSNP rs1424675655, ClinGen allele CA397128059.
Genomic context (GRCh38, chr16:88,438,277, plus strand): 5'-TCCCCAGGCAGCCCCGGGCCTCTTCTCCAGCAAGCTCTCCCTCTGGGGGCATCTCTGCCG[C>T]GGCCGGGAGCCAGAGGCCAAGATGCGGAGGGAAAGAGGGCTCCTCTCGTGTTCTCAGGGA-3'
Protein context (NP_001354553.1, residues 3593-3613): QALPLGASLP[Arg3603Trp]PGARGQDAEG